The following is an entry in ClinVar:

ClinVar aggregate classification (germline): Uncertain significance (1 of 4 stars; one submission).

Allele frequency attached by ClinVar (database versions not stated): gnomAD exomes 0.00003; ExAC 0.00006; gnomAD 0.00006; TOPMed 0.00006.
gnomAD v4.1: 58 of 1,586,834 alleles (0.0037%); highest among the groups gnomAD compares: Non-Finnish European, 0.0048%; no homozygotes.

Submission:

Labcorp Genetics (formerly Invitae), Labcorp
Classification: Uncertain significance. Last evaluated: 2024-10-23. Review status: criteria provided, single submitter. Criteria: Invitae Variant Classification Sherloc (09022015). Collection method: clinical testing. Allele origin: germline.
Comment: This sequence change falls in intron 14 of the KMT2B gene. It does not directly change the encoded amino acid sequence of the KMT2B protein. It affects a nucleotide within the consensus splice site. This variant is present in population databases (rs778996511, gnomAD 0.01%). This variant has not been reported in the literature in individuals affected with KMT2B-related conditions. ClinVar contains an entry for this variant (Variation ID: 2168704). Variants that disrupt the consensus splice site are a relatively common cause of aberrant splicing (PMID: 17576681, 9536098). Algorithms developed to predict the effect of sequence changes on RNA splicing suggest that this variant is not likely to affect RNA splicing. In summary, the available evidence is currently insufficient to determine the role of this variant in disease. Therefore, it has been classified as a Variant of Uncertain Significance.

Literature cited by the submitters: PubMed 17576681; PubMed 9536098.

NM_014727.3(KMT2B):c.4003+6G>T

Gene: KMT2B (lysine methyltransferase 2B; plus strand). Cytogenetic location: 19q13.12.
Variant type: single nucleotide variant.
Coding change: c.4003+6G>T on transcript NM_014727.3 (MANE Select); 6 bases into the intron after coding-DNA position 4003, G replaced by T.
Molecular consequence: intron variant.
Genome position (GRCh38, 1-based): chr19:35,726,359, G>T. VCF-style: chr19-35726359-G-T. GRCh37 (hg19) VCF-style: chr19-36217260-G-T.
Identifiers: ClinVar variation 2168704 (VCV002168704.4), dbSNP rs778996511, ClinGen allele CA9384936.
Genomic context (GRCh38, chr19:35,726,359, plus strand): 5'-GAGTGGTCTGGAGATTACAGCCTCTGCCCCAGGTGCACCCAGCTATATGAGAAAGGTGGG[G>T]ACCGGGCAGGGGAACTGGATGCTGGGGGCCACAGGGGAATGGCCAGGCTCTTTTACAGGC-3'